The following is an entry in ClinVar:

ClinVar aggregate classification (germline): Uncertain significance. Review status: criteria provided, multiple submitters, no conflicts (2 of 4 stars). 2 submissions from 2 submitters: Uncertain significance (2). Last evaluated 2022-06-19.

gnomAD v4.1: 20 of 1,612,216 alleles (0.0012%); highest among the groups gnomAD compares: South Asian, 0.019%; 1 homozygote.

Submissions (2):

Labcorp Genetics (formerly Invitae), Labcorp
Classification: Uncertain significance. Last evaluated: 2022-06-19. Review status: criteria provided, single submitter. Criteria: Invitae Variant Classification Sherloc (09022015). Collection method: clinical testing. Allele origin: germline.
Comment: This sequence change replaces arginine, which is basic and polar, with glycine, which is neutral and non-polar, at codon 59 of the IMPG1 protein (p.Arg59Gly). This variant is present in population databases (rs200651043, gnomAD 0.02%). This variant has not been reported in the literature in individuals affected with IMPG1-related conditions. Algorithms developed to predict the effect of missense changes on protein structure and function are either unavailable or do not agree on the potential impact of this missense change (SIFT: "Deleterious"; PolyPhen-2: "Possibly Damaging"; Align-GVGD: "Class C0"). In summary, the available evidence is currently insufficient to determine the role of this variant in disease. Therefore, it has been classified as a Variant of Uncertain Significance.

Blueprint Genetics
Classification: Uncertain significance. Last evaluated: 2020-02-19. Review status: criteria provided, single submitter. Criteria: ACMG Guidelines, 2015. Collection method: clinical testing. Allele origin: germline.

NM_001563.4(IMPG1):c.175C>G (p.Arg59Gly)

Gene: IMPG1 (interphotoreceptor matrix proteoglycan 1; minus strand). Cytogenetic location: 6q14.1.
Variant type: single nucleotide variant.
Coding change: c.175C>G on transcript NM_001563.4 (MANE Select); coding-DNA position 175, C replaced by G.
Protein change: p.Arg59Gly; replaces arginine 59 with glycine.
Molecular consequence: missense variant. On other transcripts: intron variant (1).
Genome position (GRCh38, 1-based): chr6:76,042,019, G>C on the plus strand (C>G on the coding strand, the complement: IMPG1 is on the minus strand). VCF-style: chr6-76042019-G-C. GRCh37 (hg19) VCF-style: chr6-76751736-G-C.
Other names: c.68-7232C>G (NM_001282368.2); short protein forms R59G.
Identifiers: ClinVar variation 1967932 (VCV001967932.6), dbSNP rs200651043, ClinGen allele CA3898626.
Genomic context (GRCh38, chr6:76,042,019, plus strand): 5'-TAACCCCCGTTGGGAAAAATGCGGATCTTTTTGTTCGATGCTTTGCCAAATCGAATATTC[G>C]TCTCATAGTTGACATTTTGTACATTTTTTCAGTACTTTCAGTTGTTTCATTTCTTGGGGG-3'
Protein context (NP_001554.2, residues 49-69): EKMYKMSTMR[Arg59Gly]IFDLAKHRTK